The following is an entry in ClinVar:

ClinVar aggregate classification (germline): Uncertain significance (1 of 4 stars; one submission).

Conditions:
Cardiovascular phenotype. Identifiers: MedGen CN230736.

Submission:

Ambry Genetics
Classification: Uncertain significance for Cardiovascular phenotype. Last evaluated: 2026-05-17. Review status: criteria provided, single submitter. Criteria: Ambry Variant Classification Scheme 2023. Collection method: clinical testing. Allele origin: germline.
Comment: The p.E571K variant (also known as c.1711G>A), located in coding exon 15 of the ACTN2 gene, results from a G to A substitution at nucleotide position 1711. The glutamic acid at codon 571 is replaced by lysine, an amino acid with similar properties. This amino acid position is conserved. In addition, this alteration is predicted to be deleterious by in silico analysis. Based on the available evidence, the clinical significance of this variant remains unclear.

NM_001103.4(ACTN2):c.1711G>A (p.Glu571Lys)

Gene: ACTN2 (actinin alpha 2; plus strand). Cytogenetic location: 1q43.
Variant type: single nucleotide variant.
Coding change: c.1711G>A on transcript NM_001103.4 (MANE Select); coding-DNA position 1711, G replaced by A.
Protein change: p.Glu571Lys; replaces glutamic acid 571 with lysine.
Molecular consequence: missense variant. On other transcripts: non-coding transcript variant (1).
Genome position (GRCh38, 1-based): chr1:236,751,524, G>A. VCF-style: chr1-236751524-G-A. GRCh37 (hg19) VCF-style: chr1-236914824-G-A.
Other names: c.1711G>A, p.Glu571Lys (NM_001278343.2); short protein forms E571K.
Identifiers: ClinVar variation 4867461 (VCV004867461.1).
Genomic context (GRCh38, chr1:236,751,524, plus strand): 5'-GTGTAGAGTCTGATCACTGCGCATGAGCAGTTCAAGGCCACGCTGCCCGAGGCGGACGGA[G>A]AGCGGCAGTCCATCATGGCCATCCAGAACGAGGTGGAGAAGGTGATTCAGAGCTACAACA-3'
Protein context (NP_001094.1, residues 561-581): FKATLPEADG[Glu571Lys]RQSIMAIQNE